The following is an entry in ClinVar:

ClinVar aggregate classification (germline): Uncertain significance. Review status: criteria provided, multiple submitters, no conflicts (2 of 4 stars). 5 submissions from 5 submitters: Uncertain significance (5). Last evaluated 2026-05-08.

Conditions:
Cardiovascular phenotype. Identifiers: MedGen CN230736.
Catecholaminergic polymorphic ventricular tachycardia (CVPT). Also called: Catecholamine-induced polymorphic ventricular tachycardia. Identifiers: Orphanet 3286, MedGen C5574922, MONDO:0017990.
Cardiomyopathy (CMYO). Also called: Cardiomyopathies. Identifiers: Orphanet 167848, MedGen C0878544, MONDO:0004994, HP:0001638. Inheritance: Various modes of inheritance.
Catecholaminergic polymorphic ventricular tachycardia 1. Also called: VENTRICULAR TACHYCARDIA, STRESS-INDUCED POLYMORPHIC 1; VENTRICULAR TACHYCARDIA, CATECHOLAMINERGIC POLYMORPHIC, 1, WITH OR WITHOUT ATRIAL DYSFUNCTION AND/OR DILATED CARDIOMYOPATHY; RYR2-Related Catecholaminergic Polymorphic Ventricular Tachycardia. Identifiers: Orphanet 3286, MedGen C1631597, MONDO:0011484, OMIM 604772.

Allele frequency attached by ClinVar (database versions not stated): TOPMed 0.00001.
gnomAD v4.1: 3 of 1,614,018 alleles (0.00019%); highest among the groups gnomAD compares: Non-Finnish European, 0.00025%; no homozygotes.

Submissions (5):

Ambry Genetics
Classification: Uncertain significance for Cardiovascular phenotype. Last evaluated: 2026-05-08. Review status: criteria provided, single submitter. Criteria: Ambry Variant Classification Scheme 2023. Collection method: clinical testing. Allele origin: germline.
Comment: The p.P1683S variant (also known as c.5047C>T), located in coding exon 37 of the RYR2 gene, results from a C to T substitution at nucleotide position 5047. The proline at codon 1683 is replaced by serine, an amino acid with similar properties. This amino acid position is not well conserved in available vertebrate species. In addition, this alteration is predicted to be tolerated by in silico analysis. Based on the available evidence, the clinical significance of this variant remains unclear.

Labcorp Genetics (formerly Invitae), Labcorp
Classification: Uncertain significance for Catecholaminergic polymorphic ventricular tachycardia 1. Last evaluated: 2025-11-05. Review status: criteria provided, single submitter. Criteria: Invitae Variant Classification Sherloc (09022015). Collection method: clinical testing. Allele origin: germline.
Comment: This sequence change replaces proline, which is neutral and non-polar, with serine, which is neutral and polar, at codon 1683 of the RYR2 protein (p.Pro1683Ser). This variant is not present in population databases (gnomAD no frequency). This variant has not been reported in the literature in individuals affected with RYR2-related conditions. ClinVar contains an entry for this variant (Variation ID: 532388). Invitae Evidence Modeling of protein sequence and biophysical properties (such as structural, functional, and spatial information, amino acid conservation, physicochemical variation, residue mobility, and thermodynamic stability) indicates that this missense variant is not expected to disrupt RYR2 protein function with a negative predictive value of 95%. In summary, the available evidence is currently insufficient to determine the role of this variant in disease. Therefore, it has been classified as a Variant of Uncertain Significance.

GeneDx
Classification: Uncertain significance. Last evaluated: 2025-03-17. Review status: criteria provided, single submitter. Criteria: GeneDx Variant Classification Process June 2021. Collection method: clinical testing. Allele origin: germline. Affected: yes.
Comment: Not observed at significant frequency in large population cohorts (gnomAD); In silico analysis indicates that this missense variant does not alter protein structure/function; Has not been previously published as pathogenic or benign to our knowledge; Not located in one of the three hot-spot regions of the RYR2 gene, where the majority of pathogenic missense variants occur (PMID: 19926015); This variant is associated with the following publications: (PMID: 19926015)

Color Diagnostics, LLC DBA Color Health
Classification: Uncertain significance for Cardiomyopathy. Last evaluated: 2024-03-18. Review status: criteria provided, single submitter. Criteria: ACMG Guidelines, 2015. Collection method: clinical testing. Allele origin: germline.
Comment: This missense variant replaces proline with serine at codon 1683 of the RYR2 protein. Computational prediction suggests that this variant may not impact protein structure and function (internally defined REVEL score threshold <= 0.5, PMID: 27666373). To our knowledge, functional studies have not been reported for this variant. This variant has not been reported in individuals affected with cardiovascular disorders in the literature. This variant has not been identified in the general population by the Genome Aggregation Database (gnomAD). The available evidence is insufficient to determine the role of this variant in disease conclusively. Therefore, this variant is classified as a Variant of Uncertain Significance.

All of Us Research Program, National Institutes of Health
Classification: Uncertain significance for Catecholaminergic polymorphic ventricular tachycardia. Last evaluated: 2023-09-17. Review status: criteria provided, single submitter. Criteria: ACMG Guidelines, 2015. Collection method: clinical testing. Allele origin: germline. Inheritance: Autosomal dominant inheritance. Observed: 4 variant alleles, 4 heterozygotes.
Comment: This missense variant replaces proline with serine at codon 1683 of the RYR2 protein. Computational prediction suggests that this variant may not impact protein structure and function (internally defined REVEL score threshold <= 0.5, PMID: 27666373). To our knowledge, functional studies have not been reported for this variant. This variant has not been reported in individuals affected with cardiovascular disorders in the literature. This variant has not been identified in the general population by the Genome Aggregation Database (gnomAD). The available evidence is insufficient to determine the role of this variant in disease conclusively. Therefore, this variant is classified as a Variant of Uncertain Significance.

This study involves interpretation of variants in research participants for the purpose of population health screening. Participant phenotype was not available at the time of variant classification. Additional details can be found in publication PMID: 35346344, PMCID: PMC8962531

NM_001035.3(RYR2):c.5047C>T (p.Pro1683Ser)

Gene: RYR2 (ryanodine receptor 2; plus strand). Cytogenetic location: 1q43.
Variant type: single nucleotide variant.
Coding change: c.5047C>T on transcript NM_001035.3 (MANE Select); coding-DNA position 5047, C replaced by T.
Protein change: p.Pro1683Ser; replaces proline 1683 with serine.
Molecular consequence: missense variant.
Genome position (GRCh38, 1-based): chr1:237,614,175, C>T. VCF-style: chr1-237614175-C-T. GRCh37 (hg19) VCF-style: chr1-237777475-C-T.
Other names: c.5047C>T, p.Pro1683Ser (LRG_402t1); short protein forms P1683S.
Identifiers: ClinVar variation 532388 (VCV000532388.17), dbSNP rs766933683, ClinGen allele CA39828083.